The following is an entry in ClinVar:

ClinVar aggregate classification (germline): Benign/Likely benign. Review status: criteria provided, multiple submitters, no conflicts (2 of 4 stars). 5 submissions from 5 submitters: Benign (1); Likely benign (1). 3 of the submissions do not count toward it. Last evaluated 2025-12-18.

Conditions:
NSDHL-related disorder. Also called: NSDHL-Related Disorders; NSDHL-related condition. Identifiers: MedGen CN381535.

Allele frequency attached by ClinVar (database versions not stated): gnomAD exomes 0.00014 and 0.00016; ExAC 0.00020; gnomAD 0.00045 and 0.00046; TOPMed 0.00047; ESP Exome Variant Server 0.00057.
gnomAD v4.1: 217 of 1,207,476 alleles (0.018%); highest among the groups gnomAD compares: African/African-American, 0.2%; 1 homozygote.

Submissions (5):

Labcorp Genetics (formerly Invitae), Labcorp
Classification: Benign. Last evaluated: 2025-12-18. Review status: criteria provided, single submitter. Criteria: Invitae Variant Classification Sherloc (09022015). Collection method: clinical testing. Allele origin: germline.

Blueprint Genetics
Classification: Likely benign. Last evaluated: 2023-06-13. Review status: criteria provided, single submitter. Criteria: ACMG Guidelines, 2015. Collection method: clinical testing. Allele origin: germline.

PreventionGenetics, part of Exact Sciences
Classification: Likely benign for NSDHL-related condition. Last evaluated: 2022-04-07. Review status: no assertion criteria provided. Collection method: clinical testing. Allele origin: germline. Not counted in ClinVar's aggregate classification.
Comment: This variant is classified as likely benign based on ACMG/AMP sequence variant interpretation guidelines (Richards et al. 2015 PMID: 25741868, with internal and published modifications).

Clinical Genetics DNA and cytogenetics Diagnostics Lab, Erasmus MC, Erasmus Medical Center
Classification: Likely benign. Review status: no assertion criteria provided. Collection method: clinical testing. Allele origin: germline. Affected: yes. Study: VKGL Data-share Consensus. Not counted in ClinVar's aggregate classification.

Joint Genome Diagnostic Labs from Nijmegen and Maastricht, Radboudumc and MUMC+
Classification: Likely benign. Review status: no assertion criteria provided. Collection method: clinical testing. Allele origin: germline. Affected: yes. Study: VKGL Data-share Consensus. Not counted in ClinVar's aggregate classification.

NM_015922.3(NSDHL):c.1109G>A (p.Arg370Gln)

Gene: NSDHL (NAD(P) dependent 3-beta-hydroxysteroid dehydrogenase NSDHL; plus strand). Cytogenetic location: Xq28.
Variant type: single nucleotide variant.
Coding change: c.1109G>A on transcript NM_015922.3 (MANE Select); coding-DNA position 1109, G replaced by A.
Protein change: p.Arg370Gln; replaces arginine 370 with glutamine.
Molecular consequence: missense variant.
Genome position (GRCh38, 1-based): chrX:152,869,103, G>A. VCF-style: chrX-152869103-G-A. GRCh37 (hg19) VCF-style: chrX-152037647-G-A.
Other names: c.1109G>A, p.Arg370Gln (NM_001129765.2); short protein forms R370Q.
Identifiers: ClinVar variation 718214 (VCV000718214.14), dbSNP rs140430695, ClinGen allele CA10544911.